The following is an entry in ClinVar:

NM_004301.5(ACTL6A):c.652G>A (p.Val218Ile)

Gene: ACTL6A (actin like 6A; plus strand). Cytogenetic location: 3q26.33.
Variant type: single nucleotide variant.
Coding change: c.652G>A on transcript NM_004301.5 (MANE Select); coding-DNA position 652, G replaced by A.
Protein change: p.Val218Ile; replaces valine 218 with isoleucine.
Molecular consequence: missense variant.
Genome position (GRCh38, 1-based): chr3:179,576,700, G>A. VCF-style: chr3-179576700-G-A. GRCh37 (hg19) VCF-style: chr3-179294488-G-A.
Other names: c.526G>A, p.Val176Ile (NM_177989.4, NM_178042.4); c.652G>A (NM_004301.4); short protein forms V218I, V176I.
Identifiers: ClinVar variation 2207126 (VCV002207126.4), dbSNP rs149451650, ClinGen allele CA2712857.

ClinVar aggregate classification (germline): Likely benign. Review status: criteria provided, single submitter (1 of 4 stars). 2 submissions from 2 submitters: Likely benign (1). 1 of the submissions does not count toward it. Last evaluated 2021-10-13.

Conditions:
ACTL6A-related disorder. Also called: ACTL6A-related condition.
Inborn genetic diseases. Identifiers: MedGen C0950123, MeSH D030342.

Allele frequency attached by ClinVar (database versions not stated): ExAC 0.00031; 1000 Genomes Project 0.00040; gnomAD exomes 0.00043; gnomAD 0.00045; 1000 Genomes Project 30x 0.00047; TOPMed 0.00051; ESP Exome Variant Server 0.00069.
gnomAD v4.1: 746 of 1,613,560 alleles (0.046%); highest among the groups gnomAD compares: Middle Eastern, 0.2%; 1 homozygote.

Submissions (2):

Ambry Genetics
Classification: Likely benign for Inborn genetic diseases. Last evaluated: 2021-10-13. Review status: criteria provided, single submitter. Criteria: Ambry Variant Classification Scheme 2023. Collection method: clinical testing. Allele origin: germline.

PreventionGenetics, part of Exact Sciences
Classification: Likely benign for ACTL6A-related condition. Last evaluated: 2020-01-27. Review status: no assertion criteria provided. Collection method: clinical testing. Allele origin: germline. Not counted in ClinVar's aggregate classification.
Comment: This variant is classified as likely benign based on ACMG/AMP sequence variant interpretation guidelines (Richards et al. 2015 PMID: 25741868, with internal and published modifications).